The following is an entry in ClinVar:

NM_031935.3(HMCN1):c.9406G>A (p.Ala3136Thr)

Gene: HMCN1 (hemicentin 1; plus strand). Cytogenetic location: 1q31.1.
Variant type: single nucleotide variant.
Coding change: c.9406G>A on transcript NM_031935.3 (MANE Select); coding-DNA position 9406, G replaced by A.
Protein change: p.Ala3136Thr; replaces alanine 3136 with threonine.
Molecular consequence: missense variant.
Genome position (GRCh38, 1-based): chr1:186,087,974, G>A. VCF-style: chr1-186087974-G-A. GRCh37 (hg19) VCF-style: chr1-186057106-G-A.
Other names: short protein forms A3136T.
Identifiers: ClinVar variation 294209 (VCV000294209.10), dbSNP rs886045676, ClinGen allele CA10609122.
Genomic context (GRCh38, chr1:186,087,974, plus strand): 5'-AGTATCTTTTTCTTTTAGGTATCTGACACAGGCCAGTATGTATGTAGAGCTATAAATGTA[G>A]CAGGACGGGATGATAAAAATTTCCACCTCAATGTATATGGTGAGCATTTGCCTCTAATAC-3'
Protein context (NP_114141.2, residues 3126-3146): GQYVCRAINV[Ala3136Thr]GRDDKNFHLN

ClinVar aggregate classification (germline): Uncertain significance. Review status: criteria provided, multiple submitters, no conflicts (2 of 4 stars). 3 submissions from 3 submitters: Uncertain significance (3). Last evaluated 2023-04-11.

Conditions:
Age related macular degeneration 1 (ARMD1). Also called: MACULOPATHY, AGE-RELATED, 1. Identifiers: MedGen C1864205, MONDO:0011285, OMIM 603075.

Allele frequency attached by ClinVar (database versions not stated): TOPMed below 0.00001; gnomAD 0.00001; gnomAD exomes 0.00002.
gnomAD v4.1: 36 of 1,613,062 alleles (0.0022%); highest among the groups gnomAD compares: Non-Finnish European, 0.0029%; no homozygotes.

Submissions (3):

Genome-Nilou Lab
Classification: Uncertain significance for Age related macular degeneration 1. Last evaluated: 2023-04-11. Review status: criteria provided, single submitter. Criteria: ACMG Guidelines, 2015. Collection method: clinical testing. Allele origin: germline. Affected: no.

Labcorp Genetics (formerly Invitae), Labcorp
Classification: Uncertain significance. Last evaluated: 2022-07-05. Review status: criteria provided, single submitter. Criteria: Invitae Variant Classification Sherloc (09022015). Collection method: clinical testing. Allele origin: germline.
Comment: In summary, the available evidence is currently insufficient to determine the role of this variant in disease. Therefore, it has been classified as a Variant of Uncertain Significance. Algorithms developed to predict the effect of missense changes on protein structure and function are either unavailable or do not agree on the potential impact of this missense change (SIFT: "Deleterious"; PolyPhen-2: "Probably Damaging"; Align-GVGD: "Class C0"). ClinVar contains an entry for this variant (Variation ID: 294209). This variant has not been reported in the literature in individuals affected with HMCN1-related conditions. This variant is present in population databases (no rsID available, gnomAD 0.004%). This sequence change replaces alanine, which is neutral and non-polar, with threonine, which is neutral and polar, at codon 3136 of the HMCN1 protein (p.Ala3136Thr).

Illumina Laboratory Services, Illumina
Classification: Uncertain significance for Age related macular degeneration 1. Last evaluated: 2018-01-13. Review status: criteria provided, single submitter. Criteria: ICSL Variant Classification Criteria 13 December 2019. Collection method: clinical testing. Allele origin: germline.